The following is an entry in ClinVar:

ClinVar aggregate classification (germline): Conflicting classifications of pathogenicity. Review status: criteria provided, conflicting classifications (1 of 4 stars). 2 submissions from 2 submitters: Uncertain significance (1); Likely benign (1). Last evaluated 2025-08-07.

Allele frequency attached by ClinVar (database versions not stated): ExAC 0.00008.
gnomAD v4.1: 174 of 1,613,752 alleles (0.011%); highest among the groups gnomAD compares: Non-Finnish European, 0.013%; no homozygotes.

Submissions (2):

Labcorp Genetics (formerly Invitae), Labcorp
Classification: Uncertain significance. Last evaluated: 2025-08-07. Review status: criteria provided, single submitter. Criteria: Invitae Variant Classification Sherloc (09022015). Collection method: clinical testing. Allele origin: germline.
Comment: This sequence change replaces arginine, which is basic and polar, with glutamine, which is neutral and polar, at codon 304 of the TOP1MT protein (p.Arg304Gln). This variant is present in population databases (rs201977682, gnomAD 0.02%). This variant has not been reported in the literature in individuals affected with TOP1MT-related conditions. ClinVar contains an entry for this variant (Variation ID: 1403450). Invitae Evidence Modeling of protein sequence and biophysical properties (such as structural, functional, and spatial information, amino acid conservation, physicochemical variation, residue mobility, and thermodynamic stability) indicates that this missense variant is not expected to disrupt TOP1MT protein function with a negative predictive value of 80%. In summary, the available evidence is currently insufficient to determine the role of this variant in disease. Therefore, it has been classified as a Variant of Uncertain Significance.

Ambry Genetics
Classification: Likely benign. Last evaluated: 2021-07-09. Review status: criteria provided, single submitter. Criteria: Ambry Variant Classification Scheme 2023. Collection method: clinical testing. Allele origin: germline.

NM_052963.3(TOP1MT):c.911G>A (p.Arg304Gln)

Gene: TOP1MT (DNA topoisomerase I mitochondrial; minus strand). Cytogenetic location: 8q24.3.
Variant type: single nucleotide variant.
Coding change: c.911G>A on transcript NM_052963.3 (MANE Select); coding-DNA position 911, G replaced by A.
Protein change: p.Arg304Gln; replaces arginine 304 with glutamine.
Molecular consequence: missense variant.
Genome position (GRCh38, 1-based): chr8:143,324,048, C>T on the plus strand (G>A on the coding strand, the complement: TOP1MT is on the minus strand). VCF-style: chr8-143324048-C-T. GRCh37 (hg19) VCF-style: chr8-144406218-C-T.
Other names: c.617G>A, p.Arg206Gln (NM_001258446.1, NM_001258447.1); c.911G>A (NM_052963.1); short protein forms R304Q, R206Q.
Identifiers: ClinVar variation 1403450 (VCV001403450.11), dbSNP rs201977682, ClinGen allele CA4908635.